The following is an entry in ClinVar:

NM_006031.6(PCNT):c.874C>G (p.Leu292Val)

Gene: PCNT (pericentrin; plus strand). Cytogenetic location: 21q22.3.
Variant type: single nucleotide variant.
Coding change: c.874C>G on transcript NM_006031.6 (MANE Select); coding-DNA position 874, C replaced by G.
Protein change: p.Leu292Val; replaces leucine 292 with valine.
Molecular consequence: missense variant.
Genome position (GRCh38, 1-based): chr21:46,346,896, C>G. VCF-style: chr21-46346896-C-G. GRCh37 (hg19) VCF-style: chr21-47766810-C-G.
Other names: c.520C>G, p.Leu174Val (NM_001315529.2); c.874C>G (NM_006031.5); short protein forms L292V, L174V.
Identifiers: ClinVar variation 499137 (VCV000499137.6), dbSNP rs762961416, ClinGen allele CA10078435.

ClinVar aggregate classification (germline): Uncertain significance. Review status: criteria provided, single submitter (1 of 4 stars). 2 submissions from 2 submitters: Uncertain significance (1). 1 of the submissions does not count toward it. Last evaluated 2017-01-11.

Conditions:
PCNT-related disorder. Also called: PCNT-related condition.

Allele frequency attached by ClinVar (database versions not stated): gnomAD exomes below 0.00001 and 0.00001; ExAC 0.00003.
gnomAD v4.1: 2 of 1,605,600 alleles (0.00012%); highest among the groups gnomAD compares: Admixed American, 0.0017%; no homozygotes.

Submissions (2):

Eurofins Ntd Llc (ga)
Classification: Uncertain significance. Last evaluated: 2017-01-11. Review status: criteria provided, single submitter. Criteria: EGL Classification Definitions 2015. Collection method: clinical testing. Allele origin: germline. Observed: 1 variant allele, 1 heterozygote.

PreventionGenetics, part of Exact Sciences
Classification: Uncertain significance for PCNT-related condition. Last evaluated: 2024-05-30. Review status: no assertion criteria provided. Collection method: clinical testing. Allele origin: germline. Not counted in ClinVar's aggregate classification.
Comment: The PCNT c.874C>G variant is predicted to result in the amino acid substitution p.Leu292Val. To our knowledge, this variant has not been reported in the literature. This variant is reported in 0.0031% of alleles in individuals of Latino descent in gnomAD. At this time, the clinical significance of this variant is uncertain due to the absence of conclusive functional and genetic evidence.